The following is an entry in ClinVar:

ClinVar aggregate classification (germline): Uncertain significance (1 of 4 stars; one submission).

gnomAD v4.1: 1 of 1,581,550 alleles (0.000063%); highest among the groups gnomAD compares: Non-Finnish European, 0.000086%; no homozygotes.

Submission:

GeneDx
Classification: Uncertain significance. Last evaluated: 2024-03-18. Review status: criteria provided, single submitter. Criteria: GeneDx Variant Classification Process June 2021. Collection method: clinical testing. Allele origin: germline. Affected: yes.
Comment: Not observed at significant frequency in large population cohorts (gnomAD); In silico analysis supports that this missense variant does not alter protein structure/function; Has not been previously published as pathogenic or benign to our knowledge

NM_017780.4(CHD7):c.1696C>T (p.Pro566Ser)

Genes: CHD7 (chromodomain helicase DNA binding protein 7; plus strand), LOC126860403 (CDK7 strongly-dependent group 2 enhancer GRCh37_chr8:61693034-61694233; plus strand). Cytogenetic location: 8q12.2.
Variant type: single nucleotide variant.
Coding change: c.1696C>T on transcript NM_017780.4 (MANE Select); coding-DNA position 1696, C replaced by T.
Protein change: p.Pro566Ser; replaces proline 566 with serine.
Molecular consequence: missense variant.
Genome position (GRCh38, 1-based): chr8:60,781,030, C>T. VCF-style: chr8-60781030-C-T. GRCh37 (hg19) VCF-style: chr8-61693589-C-T.
Other names: c.1696C>T, p.Pro566Ser (NM_001316690.1); short protein forms P566S.
Identifiers: ClinVar variation 3371032 (VCV003371032.1).
Genomic context (GRCh38, chr8:60,781,030, plus strand): 5'-CTAATTTCAATTCCTATTTGTGTCTCTCAGCATTCCCCGTCGGAGCCCTTTCTAGAGAAA[C>T]CAGTGCCGGATATGACTCAGGTTAGTGGACCGAATGCTCAGCTAGTGAAGAGTGATGATT-3'
Protein context (NP_060250.2, residues 556-576): HSPSEPFLEK[Pro566Ser]VPDMTQVSGP